The following is an entry in ClinVar:

NM_206933.4(USH2A):c.9041C>A (p.Thr3014Asn)

Gene: USH2A (usherin; minus strand). Cytogenetic location: 1q41.
Variant type: single nucleotide variant.
Coding change: c.9041C>A on transcript NM_206933.4 (MANE Select); coding-DNA position 9041, C replaced by A.
Protein change: p.Thr3014Asn; replaces threonine 3014 with asparagine.
Molecular consequence: missense variant.
Genome position (GRCh38, 1-based): chr1:215,845,838, G>T on the plus strand (C>A on the coding strand, the complement: USH2A is on the minus strand). VCF-style: chr1-215845838-G-T. GRCh37 (hg19) VCF-style: chr1-216019180-G-T.
Other names: short protein forms T3014N.
Identifiers: ClinVar variation 552421 (VCV000552421.12), dbSNP rs144892841, ClinGen allele CA1394431.
Genomic context (GRCh38, chr1:215,845,838, plus strand): 5'-TTCATTCGCATCTCTGAGGCAAATATCCTTTAGAATCTGGACTCACCCCCATCGCAAGTG[G>T]TTGCATGAAGTCCTGCACTGTTGATGCTGTGGACTCCATTGAAGACAGAGATAAAGATCC-3'
Protein context (NP_996816.3, residues 3004-3024): HSINSAGLHA[Thr3014Asn]TCDGEPQGML

ClinVar aggregate classification (germline): Conflicting classifications of pathogenicity. Review status: criteria provided, conflicting classifications (1 of 4 stars). 4 submissions from 4 submitters: Uncertain significance (2); Likely benign (1). 1 of the submissions does not count toward it. Last evaluated 2026-07-20.

Conditions:
Usher syndrome type 2A. Also called: USHER SYNDROME, TYPE IIA; RETINAL DISEASE IN USHER SYNDROME TYPE IIA, MODIFIER OF. Identifiers: Orphanet 231178, Orphanet 886, MedGen C1848634, MONDO:0010169, OMIM 276901.
Retinitis pigmentosa 39 (RP39). Identifiers: Orphanet 791, MedGen C3151138, MONDO:0013436, OMIM 613809.
USH2A-related disorder. Also called: USH2A-related disorders; USH2A-related condition. Identifiers: MedGen CN239332.

Allele frequency attached by ClinVar (database versions not stated): gnomAD exomes 0.00002 and 0.00018; ExAC 0.00011; TOPMed 0.00014; 1000 Genomes Project 30x 0.00031; 1000 Genomes Project 0.00040.
gnomAD v4.1: 46 of 1,613,668 alleles (0.0029%); highest among the groups gnomAD compares: East Asian, 0.098%; no homozygotes.

Submissions (4):

PreventionGenetics, part of Exact Sciences
Classification: Uncertain significance for USH2A-related condition. Last evaluated: 2026-07-20. Review status: criteria provided, single submitter. Criteria: ACMG Guidelines, 2015. Collection method: clinical testing. Allele origin: germline.
Comment: The USH2A c.9041C>A variant is predicted to result in the amino acid substitution p.Thr3014Asn. This variant has been reported in the compund heterozyous state in an individual with USH2A-related disease (Supplementary Table S4 Lam et al. 2021. PubMed ID: 34455394). It has also been reported in an additional individual with retinal disease, but a second plausabile disease causing variant was not identified (Table S4, Xu et al. 2014. PubMed ID: 24938718). This variant is reported in 0.25% of alleles in individuals of East Asian descent in gnomAD. Although we suspect that this variant may be benign, at this time, the clinical significance of this variant is uncertain due to the absence of conclusive functional and genetic evidence.

Labcorp Genetics (formerly Invitae), Labcorp
Classification: Likely benign. Last evaluated: 2026-01-15. Review status: criteria provided, single submitter. Criteria: Invitae Variant Classification Sherloc (09022015). Collection method: clinical testing. Allele origin: germline.

Blueprint Genetics
Classification: Uncertain significance. Last evaluated: 2024-09-12. Review status: criteria provided, single submitter. Criteria: ACMG Guidelines, 2015. Collection method: clinical testing. Allele origin: germline.

Counsyl
Classification: Uncertain significance for Usher syndrome type 2A; Retinitis pigmentosa 39. Last evaluated: 2017-06-19. Review status: no assertion criteria provided. Collection method: clinical testing. Allele origin: unknown. Not counted in ClinVar's aggregate classification.

Literature cited by the submitters: PubMed 24938718 (cited by Counsyl).